The following is an entry in ClinVar:

ClinVar aggregate classification (germline): Uncertain significance (1 of 4 stars; one submission).

Allele frequency attached by ClinVar (database versions not stated): gnomAD exomes below 0.00001 and 0.00002; ExAC 0.00002.
gnomAD v4.1: 2 of 1,612,166 alleles (0.00012%); highest among the groups gnomAD compares: East Asian, 0.0022%; no homozygotes.

Submission:

GeneDx
Classification: Uncertain significance. Last evaluated: 2019-05-22. Review status: criteria provided, single submitter. Criteria: GeneDx Variant Classification Process June 2021. Collection method: clinical testing. Allele origin: germline. Affected: yes.
Comment: In silico analysis, which includes protein predictors and evolutionary conservation, supports that this variant does not alter protein structure/function; Has not been previously published as pathogenic or benign to our knowledge

NM_001384125.1(BLTP1):c.1574T>C (p.Ile525Thr)

Gene: BLTP1 (bridge-like lipid transfer protein family member 1; plus strand). Cytogenetic location: 4q27.
Variant type: single nucleotide variant.
Coding change: c.1574T>C on transcript NM_001384125.1 (MANE Select); coding-DNA position 1574, T replaced by C.
Protein change: p.Ile525Thr; replaces isoleucine 525 with threonine.
Molecular consequence: missense variant.
Genome position (GRCh38, 1-based): chr4:122,207,185, T>C. VCF-style: chr4-122207185-T-C. GRCh37 (hg19) VCF-style: chr4-123128340-T-C.
Other names: c.1574T>C, p.Ile525Thr (NM_015312.4); short protein forms I525T.
Identifiers: ClinVar variation 1302300 (VCV001302300.2), dbSNP rs755838399, ClinGen allele CA3065661.
Genomic context (GRCh38, chr4:122,207,185, plus strand): 5'-GGTCTAGTGACAGTCCTCCAGACATTTTTTCATTTGTTCCATATACGTGGAATTTTAAAA[T>C]CATGTTTCATCAGTTTGAAATGATTTGGGCTGCTAATCAACACAATTGGATCGACTGTTC-3'
Protein context (NP_001371054.1, residues 515-535): SFVPYTWNFK[Ile525Thr]MFHQFEMIWA